The following is an entry in ClinVar:

NM_006258.4(PRKG1):c.1525C>T (p.His509Tyr)

Gene: PRKG1 (protein kinase cGMP-dependent 1; plus strand). Cytogenetic location: 10q21.1.
Variant type: single nucleotide variant.
Coding change: c.1525C>T on transcript NM_006258.4 (MANE Select); coding-DNA position 1525, C replaced by T.
Protein change: p.His509Tyr; replaces histidine 509 with tyrosine.
Molecular consequence: missense variant.
Genome position (GRCh38, 1-based): chr10:52,280,910, C>T. VCF-style: chr10-52280910-C-T. GRCh37 (hg19) VCF-style: chr10-54040670-C-T.
Other names: c.1480C>T, p.His494Tyr (LRG_1135t2, NM_001098512.3); c.1525C>T, p.His509Tyr (LRG_1135t1); short protein forms H494Y, H509Y.
Identifiers: ClinVar variation 414273 (VCV000414273.28), dbSNP rs139646798, ClinGen allele CA5503871.
Genomic context (GRCh38, chr10:52,280,910, plus strand): 5'-TATCTGCATTCCAAAGGAATCATTTACAGGGACCTCAAGCCAGAAAATCTCATCCTAGAT[C>T]ACCGAGGTTATGCCAAACTGGTCAGTGCATTTCATACGTGCTTTCTGCCCTGCAGATTAA-3'
Protein context (NP_006249.1, residues 499-519): DLKPENLILD[His509Tyr]RGYAKLVDFG

ClinVar aggregate classification (germline): Benign/Likely benign. Review status: criteria provided, multiple submitters, no conflicts (2 of 4 stars). 7 submissions from 7 submitters: Benign (5); Likely benign (2). Last evaluated 2026-03-27.

Conditions:
Aortic aneurysm, familial thoracic 8 (AAT8). Identifiers: MedGen C3809513, MONDO:0014187, OMIM 615436.
Familial thoracic aortic aneurysm and aortic dissection (TAAD). Also called: Thoracic aortic aneurysms and dissections. Identifiers: Orphanet 91387, MedGen C4707243, MONDO:0019625.

Allele frequency attached by ClinVar (database versions not stated): ESP Exome Variant Server 0.00023; gnomAD 0.00109 and 0.00137; ExAC 0.00177; gnomAD exomes 0.00195 and 0.00080; 1000 Genomes Project 0.00459; TOPMed 0.00166; 1000 Genomes Project 30x 0.00406.
gnomAD v4.1: 1,397 of 1,613,346 alleles (0.087%); highest among the groups gnomAD compares: East Asian, 1.7%; 14 homozygotes.

Submissions (7):

Molecular Diagnostic Laboratory for Inherited Cardiovascular Disease, Montreal Heart Institute
Classification: Likely benign. Last evaluated: 2026-03-27. Review status: criteria provided, single submitter. Criteria: ACMG Guidelines, 2015. Collection method: clinical testing. Allele origin: germline. Affected: no.
Comment: BS1;BP4

Labcorp Genetics (formerly Invitae), Labcorp
Classification: Benign for Aortic aneurysm, familial thoracic 8. Last evaluated: 2026-02-02. Review status: criteria provided, single submitter. Criteria: Invitae Variant Classification Sherloc (09022015). Collection method: clinical testing. Allele origin: germline.

Mayo Clinic Laboratories, Mayo Clinic
Classification: Benign. Last evaluated: 2023-12-06. Review status: criteria provided, single submitter. Criteria: ACMG Guidelines, 2015. Collection method: clinical testing. Allele origin: germline. Observed: 4 variant alleles.
Comment: BS1, BS2, BP4

Women's Health and Genetics/Laboratory Corporation of America, LabCorp
Classification: Likely benign. Last evaluated: 2023-07-21. Review status: criteria provided, single submitter. Criteria: LabCorp Variant Classification Summary - May 2015. Collection method: clinical testing. Allele origin: germline.

ARUP Laboratories, Molecular Genetics and Genomics, ARUP Laboratories
Classification: Benign for Aortic aneurysm, familial thoracic 8. Last evaluated: 2021-09-27. Review status: criteria provided, single submitter. Criteria: ARUP Molecular Germline Variant Investigation Process 2021. Collection method: clinical testing. Allele origin: germline.

GeneDx
Classification: Benign. Last evaluated: 2017-06-26. Review status: criteria provided, single submitter. Criteria: GeneDx Variant Classification (06012015). Collection method: clinical testing. Allele origin: germline. Affected: yes.
Comment: This variant is considered likely benign or benign based on one or more of the following criteria: it is a conservative change, it occurs at a poorly conserved position in the protein, it is predicted to be benign by multiple in silico algorithms, and/or has population frequency not consistent with disease.

Ambry Genetics
Classification: Benign for Familial thoracic aortic aneurysm and aortic dissection. Last evaluated: 2016-05-19. Review status: criteria provided, single submitter. Criteria: Ambry Variant Classification Scheme 2023. Collection method: clinical testing. Allele origin: germline.